The following is an entry in ClinVar:

ClinVar aggregate classification (germline): Uncertain significance (1 of 4 stars; one submission).

Allele frequency attached by ClinVar (database versions not stated): TOPMed below 0.00001; gnomAD exomes 0.00001.
gnomAD v4.1: 9 of 1,601,002 alleles (0.00056%); highest among the groups gnomAD compares: African/African-American, 0.0013%; no homozygotes.

Submission:

Women's Health and Genetics/Laboratory Corporation of America, LabCorp
Classification: Uncertain significance. Last evaluated: 2022-02-23. Review status: criteria provided, single submitter. Criteria: LabCorp Variant Classification Summary - May 2015. Collection method: clinical testing. Allele origin: germline.
Comment: Variant summary: LAMA3 c.805C>T (p.Arg269Cys) results in a non-conservative amino acid change in the encoded protein sequence. Five of five in-silico tools predict a damaging effect of the variant on protein function. The variant was absent in 251300 control chromosomes (gnomAD). The available data on variant occurrences in the general population are insufficient to allow any conclusion about variant significance. To our knowledge, no occurrence of c.805C>T in individuals affected with Junctional Epidermolysis Bullosa and no experimental evidence demonstrating its impact on protein function have been reported. No clinical diagnostic laboratories have submitted clinical-significance assessments for this variant to ClinVar after 2014. Based on the evidence outlined above, the variant was classified as uncertain significance.

NM_198129.4(LAMA3):c.5632C>T (p.Arg1878Cys)

Gene: LAMA3 (laminin subunit alpha 3; plus strand). Cytogenetic location: 18q11.2.
Variant type: single nucleotide variant.
Coding change: c.5632C>T on transcript NM_198129.4 (MANE Select); coding-DNA position 5632, C replaced by T.
Protein change: p.Arg1878Cys; replaces arginine 1878 with cysteine.
Molecular consequence: missense variant.
Genome position (GRCh38, 1-based): chr18:23,898,756, C>T. VCF-style: chr18-23898756-C-T. GRCh37 (hg19) VCF-style: chr18-21478720-C-T.
Other names: c.805C>T, p.Arg269Cys (NM_000227.6, NM_001127718.4); c.5632C>T, p.Arg1878Cys (NM_001127717.4); short protein forms R1878C, R269C.
Identifiers: ClinVar variation 1343450 (VCV001343450.1), dbSNP rs867507379, ClinGen allele CA297095588.
Genomic context (GRCh38, chr18:23,898,756, plus strand): 5'-CTTTATACTGTAAAGTGACATTCATTTGTGTTTTGTTTCCAGAATCAGTTGCTCAACTAC[C>T]GTTCTGCCATTTCAAATCATGGATCAAAAATAGAAGGCCTGGAAAGAGAACTGACTGATT-3'
Protein context (NP_937762.2, residues 1868-1888): KDLRNQLLNY[Arg1878Cys]SAISNHGSKI